The following is an entry in ClinVar:

NM_001160372.4(TRAPPC9):c.2742C>T (p.Thr914=)

Gene: TRAPPC9 (trafficking protein particle complex subunit 9; minus strand). Cytogenetic location: 8q24.3.
Variant type: single nucleotide variant.
Coding change: c.2742C>T on transcript NM_001160372.4 (MANE Select); coding-DNA position 2742, C replaced by T.
Protein change: p.Thr914=; no amino-acid change (threonine 914 retained).
Molecular consequence: synonymous variant. On other transcripts: non-coding transcript variant (1), intron variant (1).
Genome position (GRCh38, 1-based): chr8:139,988,794, G>A on the plus strand (C>T on the coding strand, the complement: TRAPPC9 is on the minus strand). VCF-style: chr8-139988794-G-A. GRCh37 (hg19) VCF-style: chr8-140999002-G-A.
Other names: c.2715C>T, p.Thr905= (NM_001321646.2); c.2763C>T, p.Thr921= (NM_001374682.1); c.2598C>T, p.Thr866= (NM_001374684.1); c.2742C>T, p.Thr914= (NM_031466.8); c.2699+35143C>T (NM_001374683.1).
Identifiers: ClinVar variation 362071 (VCV000362071.24), dbSNP rs28710457, ClinGen allele CA4892990.

ClinVar aggregate classification (germline): Benign/Likely benign. Review status: criteria provided, multiple submitters, no conflicts (2 of 4 stars). 5 submissions from 5 submitters: Benign (2); Likely benign (2). 1 of the submissions does not count toward it. Last evaluated 2026-01-28.

Conditions:
TRAPPC9-related disorder. Also called: TRAPPC9-related condition.
Inborn genetic diseases. Identifiers: MedGen C0950123, MeSH D030342.

Allele frequency attached by ClinVar (database versions not stated): TOPMed 0.01208; ExAC 0.00579; 1000 Genomes Project 0.01078; ESP Exome Variant Server 0.01085; gnomAD 0.01086; 1000 Genomes Project 30x 0.01171.
gnomAD v4.1: 3,382 of 1,551,484 alleles (0.22%); highest among the groups gnomAD compares: African/African-American, 3.8%; 66 homozygotes.

Submissions (5):

Labcorp Genetics (formerly Invitae), Labcorp
Classification: Benign. Last evaluated: 2026-01-28. Review status: criteria provided, single submitter. Criteria: Invitae Variant Classification Sherloc (09022015). Collection method: clinical testing. Allele origin: germline.

GeneDx
Classification: Benign. Last evaluated: 2020-02-05. Review status: criteria provided, single submitter. Criteria: GeneDx Variant Classification Process June 2021. Collection method: clinical testing. Allele origin: germline. Affected: yes.

Ambry Genetics
Classification: Likely benign for Inborn genetic diseases. Last evaluated: 2016-05-03. Review status: criteria provided, single submitter. Criteria: Ambry Variant Classification Scheme 2023. Collection method: clinical testing. Allele origin: germline.

Breakthrough Genomics
Classification: Likely benign. Review status: criteria provided, single submitter. Criteria: ACMG Guidelines, 2015. Collection method: not provided. Allele origin: germline. Inheritance: Autosomal recessive inheritance. Affected: yes.

PreventionGenetics, part of Exact Sciences
Classification: Benign for TRAPPC9-related condition. Last evaluated: 2019-04-29. Review status: no assertion criteria provided. Collection method: clinical testing. Allele origin: germline. Not counted in ClinVar's aggregate classification.
Comment: This variant is classified as benign based on ACMG/AMP sequence variant interpretation guidelines (Richards et al. 2015 PMID: 25741868, with internal and published modifications).